The following is an entry in ClinVar:

ClinVar aggregate classification (germline): Uncertain significance (1 of 4 stars; one submission).

Conditions:
Cardiovascular phenotype. Identifiers: MedGen CN230736.

Submission:

Ambry Genetics
Classification: Uncertain significance for Cardiovascular phenotype. Last evaluated: 2024-12-13. Review status: criteria provided, single submitter. Criteria: Ambry Variant Classification Scheme 2023. Collection method: clinical testing. Allele origin: germline.
Comment: The p.F257I variant (also known as c.769T>A), located in coding exon 4 of the FLNC gene, results from a T to A substitution at nucleotide position 769. The phenylalanine at codon 257 is replaced by isoleucine, an amino acid with highly similar properties. This amino acid position is conserved. In addition, this alteration is predicted to be deleterious by in silico analysis. Based on the available evidence, the clinical significance of this variant remains unclear.

NM_001458.5(FLNC):c.769T>A (p.Phe257Ile)

Gene: FLNC (filamin C; plus strand). Cytogenetic location: 7q32.1.
Variant type: single nucleotide variant.
Coding change: c.769T>A on transcript NM_001458.5 (MANE Select); coding-DNA position 769, T replaced by A.
Protein change: p.Phe257Ile; replaces phenylalanine 257 with isoleucine.
Molecular consequence: missense variant.
Genome position (GRCh38, 1-based): chr7:128,837,467, T>A. VCF-style: chr7-128837467-T-A. GRCh37 (hg19) VCF-style: chr7-128477521-T-A.
Other names: c.769T>A, p.Phe257Ile (NM_001127487.2); short protein forms F257I.
Identifiers: ClinVar variation 3850771 (VCV003850771.1).